The following is an entry in ClinVar:

ClinVar aggregate classification (germline): Likely benign. Review status: criteria provided, multiple submitters, no conflicts (2 of 4 stars). 3 submissions from 3 submitters: Likely benign (2). 1 of the submissions does not count toward it. Last evaluated 2025-09-08.

Conditions:
APC2-related disorder. Also called: APC2-Related Disorders; APC2-related condition.

Allele frequency attached by ClinVar (database versions not stated): 1000 Genomes Project 30x 0.00094; TOPMed 0.00005; 1000 Genomes Project 0.00120.
gnomAD v4.1: 660 of 1,549,468 alleles (0.043%); highest among the groups gnomAD compares: South Asian, 0.73%; 8 homozygotes.

Submissions (3):

Labcorp Genetics (formerly Invitae), Labcorp
Classification: Likely benign. Last evaluated: 2025-09-08. Review status: criteria provided, single submitter. Criteria: Invitae Variant Classification Sherloc (09022015). Collection method: clinical testing. Allele origin: germline.

Breakthrough Genomics
Classification: Likely benign. Review status: criteria provided, single submitter. Criteria: ACMG Guidelines, 2015. Collection method: not provided. Allele origin: germline. Inheritance: Autosomal recessive inheritance. Affected: yes.

PreventionGenetics, part of Exact Sciences
Classification: Likely benign for APC2-related condition. Last evaluated: 2022-11-09. Review status: no assertion criteria provided. Collection method: clinical testing. Allele origin: germline. Not counted in ClinVar's aggregate classification.
Comment: This variant is classified as likely benign based on ACMG/AMP sequence variant interpretation guidelines (Richards et al. 2015 PMID: 25741868, with internal and published modifications).

NM_005883.3(APC2):c.1172G>A (p.Arg391Gln)

Gene: APC2 (APC regulator of Wnt signaling pathway 2; plus strand). Cytogenetic location: 19p13.3.
Variant type: single nucleotide variant.
Coding change: c.1172G>A on transcript NM_005883.3 (MANE Select); coding-DNA position 1172, G replaced by A.
Protein change: p.Arg391Gln; replaces arginine 391 with glutamine.
Molecular consequence: missense variant.
Genome position (GRCh38, 1-based): chr19:1,457,208, G>A. VCF-style: chr19-1457208-G-A. GRCh37 (hg19) VCF-style: chr19-1457207-G-A.
Other names: c.1169G>A, p.Arg390Gln (NM_001351273.1); short protein forms R390Q, R391Q.
Identifiers: ClinVar variation 735486 (VCV000735486.11), dbSNP rs372652826, ClinGen allele CA9044980.